The following is an entry in ClinVar:

NM_001378418.1(TCF20):c.5308CAG[3] (p.Gln1773_Gln1774del)

Gene: TCF20 (transcription factor 20; minus strand). Cytogenetic location: 22q13.2.
Variant type: Microsatellite.
Coding change: c.5308CAG[3] on transcript NM_001378418.1 (MANE Select); three copies in a row of the 3-base unit CAG starting at c.5308; the reference has five copies in a row; two copies, 6 bases deleted.
Protein change: p.Gln1773_Gln1774del.
Molecular consequence: inframe deletion.
Genome position (GRCh38, 1-based): chr22:42,209,984-42,209,989, CTGCTG deleted on the plus strand (CAGCAG on the coding strand, the reverse complement: TCF20 is on the minus strand); deleting any 6 consecutive bases within chr22:42,209,984-42,210,000 gives the same sequence; the position shown is the placement nearest the transcript's 3' end. VCF-style (leftmost placement, unchanged base first): chr22-42209983-TCTGCTG-T. GRCh37 (hg19) VCF-style: chr22-42605989-TCTGCTG-T.
Other names: c.5308CAG[3], p.Gln1773_Gln1774del (NM_005650.4, NM_181492.3).
Identifiers: ClinVar variation 2179075 (VCV002179075.4), dbSNP rs745763431, ClinGen allele CA10266499.

ClinVar aggregate classification (germline): Uncertain significance (1 of 4 stars; one submission).

Submission:

Labcorp Genetics (formerly Invitae), Labcorp
Classification: Uncertain significance. Last evaluated: 2025-06-04. Review status: criteria provided, single submitter. Criteria: Invitae Variant Classification Sherloc (09022015). Collection method: clinical testing. Allele origin: germline.
Comment: This variant, c.5317_5322del, results in the deletion of 2 amino acid(s) of the TCF20 protein (p.Gln1773_Gln1774del), but otherwise preserves the integrity of the reading frame. This variant is present in population databases (rs769683059, gnomAD 0.01%). This variant has not been reported in the literature in individuals affected with TCF20-related conditions. Experimental studies and prediction algorithms are not available or were not evaluated, and the functional significance of this variant is currently unknown. In summary, the available evidence is currently insufficient to determine the role of this variant in disease. Therefore, it has been classified as a Variant of Uncertain Significance.